The following is an entry in ClinVar:

NM_203447.4(DOCK8):c.2594T>C (p.Val865Ala)

Gene: DOCK8 (dedicator of cytokinesis 8; plus strand). Cytogenetic location: 9p24.3.
Variant type: single nucleotide variant.
Coding change: c.2594T>C on transcript NM_203447.4 (MANE Select); coding-DNA position 2594, T replaced by C.
Protein change: p.Val865Ala; replaces valine 865 with alanine.
Molecular consequence: missense variant.
Genome position (GRCh38, 1-based): chr9:379,924, T>C. VCF-style: chr9-379924-T-C. GRCh37 (hg19) VCF-style: chr9-379924-T-C.
Other names: c.2390T>C, p.Val797Ala (NM_001190458.2, NM_001193536.2); short protein forms V797A, V865A.
Identifiers: ClinVar variation 660804 (VCV000660804.11), dbSNP rs373018701, ClinGen allele CA4958240.

ClinVar aggregate classification (germline): Uncertain significance. Review status: criteria provided, multiple submitters, no conflicts (2 of 4 stars). 4 submissions from 4 submitters: Uncertain significance (4). Last evaluated 2024-10-23.

Conditions:
Combined immunodeficiency due to DOCK8 deficiency (HIES2). Also called: HIES autosomal recessive; HYPER-IgE RECURRENT INFECTION SYNDROME 2, AUTOSOMAL RECESSIVE; HYPER-IgE SYNDROME 2, AUTOSOMAL RECESSIVE, WITH RECURRENT INFECTIONS; Hyper-IgE recurrent infection syndrome, autosomal recessive; DOCK8 Deficiency. Identifiers: Orphanet 217390, MedGen C4722305, MONDO:0009478, OMIM 243700.

Allele frequency attached by ClinVar (database versions not stated): ESP Exome Variant Server 0.00008; TOPMed 0.00008; gnomAD 0.00010 and 0.00014; gnomAD exomes 0.00013 and 0.00022; ExAC 0.00021; 1000 Genomes Project 0.00040; 1000 Genomes Project 30x 0.00047.
gnomAD v4.1: 208 of 1,613,920 alleles (0.013%); highest among the groups gnomAD compares: South Asian, 0.12%; 2 homozygotes.

Submissions (4):

Blueprint Genetics
Classification: Uncertain significance. Last evaluated: 2024-10-23. Review status: criteria provided, single submitter. Criteria: ACMG Guidelines, 2015. Collection method: clinical testing. Allele origin: germline.

Fulgent Genetics
Classification: Uncertain significance for Combined immunodeficiency due to DOCK8 deficiency. Last evaluated: 2024-03-12. Review status: criteria provided, single submitter. Criteria: ACMG Guidelines, 2015. Collection method: clinical testing. Allele origin: germline.

Labcorp Genetics (formerly Invitae), Labcorp
Classification: Uncertain significance for Combined immunodeficiency due to DOCK8 deficiency. Last evaluated: 2022-10-05. Review status: criteria provided, single submitter. Criteria: Invitae Variant Classification Sherloc (09022015). Collection method: clinical testing. Allele origin: germline.
Comment: This sequence change replaces valine, which is neutral and non-polar, with alanine, which is neutral and non-polar, at codon 865 of the DOCK8 protein (p.Val865Ala). This variant is present in population databases (rs373018701, gnomAD 0.1%). This variant has not been reported in the literature in individuals affected with DOCK8-related conditions. ClinVar contains an entry for this variant (Variation ID: 660804). Advanced modeling of protein sequence and biophysical properties (such as structural, functional, and spatial information, amino acid conservation, physicochemical variation, residue mobility, and thermodynamic stability) performed at Invitae indicates that this missense variant is not expected to disrupt DOCK8 protein function. In summary, the available evidence is currently insufficient to determine the role of this variant in disease. Therefore, it has been classified as a Variant of Uncertain Significance.

Center for Genomics, Ann and Robert H. Lurie Children's Hospital of Chicago
Classification: Uncertain significance for Combined immunodeficiency due to DOCK8 deficiency. Last evaluated: 2021-03-18. Review status: criteria provided, single submitter. Criteria: ACMG Guidelines, 2015. Collection method: clinical testing. Allele origin: germline.
Comment: DOCK8 NM_203447.3 exon 21 p.Val865Ala (c.2594T>C): This variant has not been reported in the literature but is present in 0.04% (7/15286) of Latino alleles in the Genome Aggregation Database. This variant is present in ClinVar (Variation ID:660804). This variant amino acid Alanine (Ala) is present in 7 mammals and is not well conserved among evolutionarily distant species; this suggests that this variant may not impact the protein. Additional computational prediction tools do not suggest an impact. In summary, data on this variant is insufficient for disease classification. Therefore, the clinical significance of this variant is uncertain.